The following is an entry in ClinVar:

ClinVar aggregate classification (germline): Conflicting classifications of pathogenicity. Review status: criteria provided, conflicting classifications (1 of 4 stars). 10 submissions from 7 submitters: Uncertain significance (9); Likely benign (1). Last evaluated 2026-07-22.

Conditions:
Autosomal dominant hypocalcemia 1 (HYPOC1). Also called: HYPOCALCEMIA, FAMILIAL. Identifiers: MedGen C3715128, MONDO:0011013, OMIM 601198.
Familial hypocalciuric hypercalcemia (FHH). Also called: Familial benign hypercalcemia. Identifiers: Orphanet 405, MedGen C1809471, MONDO:0018458.
Neonatal severe primary hyperparathyroidism. Identifiers: Orphanet 417, MedGen C1832615, MONDO:0009397, OMIM 239200.
Epilepsy, idiopathic generalized, susceptibility to, 8. Identifiers: MedGen C2752062, MONDO:0013032, OMIM 612899.
Familial hypocalciuric hypercalcemia 1. Also called: Hypercalcemia, familial benign type 1. Identifiers: Orphanet 405, Orphanet 93372, MedGen C0342637, MONDO:0007791, OMIM 145980.
Familial hypoparathyroidism. Also called: Familial isolated hypoparathyroidism. Identifiers: Orphanet 2238, MedGen C1832648, MONDO:0016390.
CASR-related disorder. Also called: CASR-related condition.
Nephrolithiasis/nephrocalcinosis. Identifiers: MedGen CN580796.

Allele frequency attached by ClinVar (database versions not stated): gnomAD 0.00004 and 0.00005; TOPMed 0.00007; 1000 Genomes Project 0.00020; 1000 Genomes Project 30x 0.00031; ExAC 0.00001.
gnomAD v4.1: 8 of 1,613,596 alleles (0.0005%); highest among the groups gnomAD compares: Admixed American, 0.012%; no homozygotes.

Submissions (10):

PreventionGenetics, part of Exact Sciences
Classification: Uncertain significance for CASR-related condition. Last evaluated: 2026-07-22. Review status: criteria provided, single submitter. Criteria: ACMG Guidelines, 2015. Collection method: clinical testing. Allele origin: germline.
Comment: The CASR c.32T>C variant is predicted to result in the amino acid substitution p.Leu11Ser. This variant has been reported in an individual with hypocalciuric hypercalcemia (Pidasheva et al. 2005. PubMed ID: 15879434). This variant has not been reported in a large population database (gnomAD), indicating this variant is rare. At this time, the clinical significance of this variant is uncertain due to the absence of conclusive functional and genetic evidence.

Labcorp Genetics (formerly Invitae), Labcorp
Classification: Likely benign for Familial hypocalciuric hypercalcemia; Autosomal dominant hypocalcemia 1. Last evaluated: 2025-07-29. Review status: criteria provided, single submitter. Criteria: Invitae Variant Classification Sherloc (09022015). Collection method: clinical testing. Allele origin: germline.

Mayo Clinic Laboratories, Mayo Clinic
Classification: Uncertain significance. Last evaluated: 2024-08-21. Review status: criteria provided, single submitter. Criteria: ACMG Guidelines, 2015. Collection method: clinical testing. Allele origin: germline. Observed: 1 variant allele.
Comment: PP2, PM2, PS3_supporting

Women's Health and Genetics/Laboratory Corporation of America, LabCorp
Classification: Uncertain significance. Last evaluated: 2024-06-25. Review status: criteria provided, single submitter. Criteria: LabCorp Variant Classification Summary - May 2015. Collection method: clinical testing. Allele origin: germline.
Comment: Variant summary: CASR c.32T>C (p.Leu11Ser) results in a non-conservative amino acid change located in the signal peptide hydrophobic core (PMID: 15879434) of the encoded protein sequence. Four of five in-silico tools predict a damaging effect of the variant on protein function. The variant was absent in 251340 control chromosomes (gnomAD). c.32T>C has been reported in the literature in at least an individual affected with Familial Hypocalciuric Hypercalcemia (example: Pidasheva_2005). These report(s) do not provide unequivocal conclusions about association of the variant with Familial Hypocalciuric Hypercalcemia. In in vitro functional studies, the variant failed to be inserted in the microsomes and undergo glycosylation (Pidasheva_2005). The following publication has been ascertained in the context of this evaluation (PMID: 15879434). ClinVar contains an entry for this variant (Variation ID: 647813). Based on the evidence outlined above, the variant was classified as VUS-possibly pathogenic.

Fulgent Genetics
Classification: Uncertain significance for Familial hypocalciuric hypercalcemia 1; Neonatal severe primary hyperparathyroidism; Autosomal dominant hypocalcemia 1; Epilepsy, idiopathic generalized, susceptibility to, 8. Last evaluated: 2024-04-02. Review status: criteria provided, single submitter. Criteria: ACMG Guidelines, 2015. Collection method: clinical testing. Allele origin: germline.

Ambry Genetics
Classification: Uncertain significance for Nephrolithiasis/nephrocalcinosis. Last evaluated: 2023-08-15. Review status: criteria provided, single submitter. Criteria: Ambry Variant Classification Scheme 2023. Collection method: clinical testing. Allele origin: germline.
Comment: The p.L11S variant (also known as c.32T>C), located in coding exon 1 of the CASR gene, results from a T to C substitution at nucleotide position 32. The leucine at codon 11 is replaced by serine, an amino acid with dissimilar properties. This amino acid position is well conserved in available vertebrate species. In addition, this alteration is predicted to be deleterious by in silico analysis. Since supporting evidence is limited at this time, the clinical significance of this alteration remains unclear.

Illumina Laboratory Services, Illumina
Classification: Uncertain significance for Familial isolated hypoparathyroidism. Last evaluated: 2017-04-28. Review status: criteria provided, single submitter. Criteria: ICSL Variant Classification Criteria 13 December 2019. Collection method: clinical testing. Allele origin: germline.
Comment: This variant was observed as part of a predisposition screen in an ostensibly healthy population. A literature search was performed for the gene, cDNA change, and amino acid change (where applicable). Publications were found based on this search. However, the evidence from the literature, in combination with allele frequency data from public databases where available, was not sufficient to rule this variant in or out of causing disease. Therefore, this variant is classified as a variant of unknown significance.

Illumina Laboratory Services, Illumina
Classification: Uncertain significance for Autosomal dominant hypocalcemia 1. Last evaluated: 2017-04-28. Review status: criteria provided, single submitter. Criteria: ICSL Variant Classification Criteria 13 December 2019. Collection method: clinical testing. Allele origin: germline.

Illumina Laboratory Services, Illumina
Classification: Uncertain significance for Neonatal severe primary hyperparathyroidism. Last evaluated: 2017-04-28. Review status: criteria provided, single submitter. Criteria: ICSL Variant Classification Criteria 13 December 2019. Collection method: clinical testing. Allele origin: germline.

Illumina Laboratory Services, Illumina
Classification: Uncertain significance for Familial hypocalciuric hypercalcemia 1. Last evaluated: 2017-04-28. Review status: criteria provided, single submitter. Criteria: ICSL Variant Classification Criteria 13 December 2019. Collection method: clinical testing. Allele origin: germline.

Literature cited by the submitters: PubMed 15879434 (cited by 4 submitters).

NM_000388.4(CASR):c.32T>C (p.Leu11Ser)

Gene: CASR (calcium sensing receptor; plus strand). Cytogenetic location: 3q21.1.
Variant type: single nucleotide variant.
Coding change: c.32T>C on transcript NM_000388.4 (MANE Select); coding-DNA position 32, T replaced by C.
Protein change: p.Leu11Ser; replaces leucine 11 with serine.
Molecular consequence: missense variant.
Genome position (GRCh38, 1-based): chr3:122,254,221, T>C. VCF-style: chr3-122254221-T-C. GRCh37 (hg19) VCF-style: chr3-121973068-T-C.
Other names: p.Leu11Ser; c.32T>C, p.Leu11Ser (NM_001178065.2); c.32T>C (NM_001178065.1); short protein forms L11S.
Identifiers: ClinVar variation 647813 (VCV000647813.19), dbSNP rs200673016, ClinGen allele CA2569405.
Genomic context (GRCh38, chr3:122,254,221, plus strand): 5'-ATCCCTTGCCCTGGAGAGACGGCAGAACCATGGCATTTTATAGCTGCTGCTGGGTCCTCT[T>C]GGCACTCACCTGGCACACCTCTGCCTACGGGCCAGACCAGCGAGCCCAAAAGAAGGGGGA-3'
Protein context (NP_000379.3, residues 1-21): MAFYSCCWVL[Leu11Ser]ALTWHTSAYG